The following is an entry in ClinVar:

NM_000361.3(THBD):c.1688dup (p.Gln564fs)

Gene: THBD (thrombomodulin; minus strand). Cytogenetic location: 20p11.21.
Variant type: Duplication.
Coding change: c.1688dup on transcript NM_000361.3 (MANE Select); coding-DNA position 1688, one base duplicated (T; older notation c.1688dupT).
Protein change: p.Gln564fs; shifts the reading frame from glutamine 564.
Molecular consequence: frameshift variant.
Genome position (GRCh38, 1-based): chr20:23,047,817, A duplicated on the plus strand (T on the coding strand, the reverse complement: THBD is on the minus strand). VCF-style (leftmost placement, unchanged base first): chr20-23047816-C-CA. GRCh37 (hg19) VCF-style: chr20-23028453-C-CA.
Other names: short protein forms Q564fs.
Identifiers: ClinVar variation 12716 (VCV000012716.2), dbSNP rs2515202194, ClinGen allele CA2580098041.

ClinVar aggregate classification (germline): Uncertain significance. Review status: criteria provided, single submitter (1 of 4 stars). 2 submissions from 2 submitters: Uncertain significance (1). 1 of the submissions does not count toward it. Last evaluated 2025-09-22.

Conditions:
Thrombomodulin-related bleeding disorder (THPH12). Also called: Thrombophilia due to thrombomodulin defect. Identifiers: Orphanet 436169, MedGen C3280976, MONDO:0013775, OMIM 614486.

Allele frequency attached by ClinVar (database versions not stated): gnomAD exomes below 0.00001.

Submissions (2):

Genomenon, Inc
Classification: Uncertain significance for Thrombomodulin-related bleeding disorder. Last evaluated: 2025-09-22. Review status: criteria provided, single submitter. Criteria: Genomenon Sequence Variant Interpretation Standards - Updated. Collection method: curation. Allele origin: germline. Affected: no.
Comment: THBD p.Gln564AlafsTer62 (c.1688dup) is a frameshift variant that results in the production of an extended protein product. This variant has been reported in the published literature (PMID:10627464). It is absent or not present at a significant frequency in gnomAD. In conclusion, we classify THBD p.Gln564AlafsTer62 (c.1688dup) as a variant of unknown significance.

OMIM
Classification: Pathogenic for THROMBOPHILIA DUE TO THROMBOMODULIN DEFECT. Last evaluated: 2000-01-15. Review status: no assertion criteria provided. Collection method: literature only. Allele origin: germline. Not counted in ClinVar's aggregate classification.

Literature cited by the submitters: PubMed 10627464 (cited by Genomenon, Inc and OMIM).